The following is an entry in ClinVar:

NM_000626.4(CD79B):c.563_564delinsGG (p.Ala188Gly)

Genes: CD79B (CD79b molecule; minus strand), GH-LCR (growth hormone locus control region; plus strand). Cytogenetic location: 17q23.3.
Variant type: Indel.
Coding change: c.563_564delinsGG on transcript NM_000626.4 (MANE Select); coding-DNA positions 563 to 564, CT replaced by GG.
Protein change: p.Ala188Gly; replaces alanine 188 with glycine.
Molecular consequence: missense variant.
Genome position (GRCh38, 1-based): chr17:63,929,461-63,929,462, AG replaced by CC on the plus strand (CT replaced by GG on the coding strand, the reverse complement: CD79B is on the minus strand). VCF-style: chr17-63929461-AG-CC. GRCh37 (hg19) VCF-style: chr17-62006821-AG-CC.
Other names: c.566_567delinsGG, p.Ala189Gly (NM_001039933.3); c.254_255delinsGG, p.Ala85Gly (NM_001329050.2); c.251_252delinsGG, p.Ala84Gly (NM_021602.4); short protein forms A188G, A189G, A84G, A85G.
Identifiers: ClinVar variation 1359969 (VCV001359969.6), dbSNP rs2144755949, ClinGen allele CA2573154595.

ClinVar aggregate classification (germline): Uncertain significance (1 of 4 stars; one submission).

Conditions:
Agammaglobulinemia 6, autosomal recessive (AGM6). Also called: AGAMMAGLOBULINEMIA 6; AGAMMAGLOBULINEMIA, AUTOSOMAL RECESSIVE, DUE TO CD79B DEFECT. Identifiers: MedGen C3150207, MONDO:0012987, OMIM 612692.

Submission:

Labcorp Genetics (formerly Invitae), Labcorp
Classification: Uncertain significance for Agammaglobulinemia 6, autosomal recessive. Last evaluated: 2021-06-08. Review status: criteria provided, single submitter. Criteria: Invitae Variant Classification Sherloc (09022015). Collection method: clinical testing. Allele origin: germline.
Comment: This sequence change replaces alanine with glycine at codon 188 of the CD79B protein (p.Ala188Gly). The alanine residue is moderately conserved and there is a small physicochemical difference between alanine and glycine. The frequency data for this variant in the population databases is not available, as this variant may be reported as separate entries in the ExAC database. This variant has not been reported in the literature in individuals with CD79B-related conditions. Algorithms developed to predict the effect of missense changes on protein structure and function are either unavailable or do not agree on the potential impact of this missense change (SIFT: "Not Available"; PolyPhen-2: "Benign"; Align-GVGD: "Not Available"). In summary, the available evidence is currently insufficient to determine the role of this variant in disease. Therefore, it has been classified as a Variant of Uncertain Significance.